The following is an entry in ClinVar:

ClinVar aggregate classification (germline): Likely benign (1 of 4 stars; one submission).

Conditions:
UTP4-related disorder. Also called: UTP4-related condition.

gnomAD v4.1: 1 of 1,614,192 alleles (0.000062%); highest among the groups gnomAD compares: Non-Finnish European, 0.000085%; no homozygotes.

Submission:

PreventionGenetics, part of Exact Sciences
Classification: Likely benign for UTP4-related condition. Last evaluated: 2026-06-30. Review status: criteria provided, single submitter. Criteria: ACMG Guidelines, 2015. Collection method: clinical testing. Allele origin: germline.
Comment: This variant is classified as likely benign based on ACMG/AMP sequence variant interpretation guidelines (Richards et al. 2015 PMID: 25741868, with internal and published modifications).

NM_032830.3(UTP4):c.258T>C (p.Tyr86=)

Gene: UTP4 (UTP4 small subunit processome component). Cytogenetic location: 16q22.1.
Variant type: single nucleotide variant.
Coding change: c.258T>C on transcript NM_032830.3 (MANE Select); coding-DNA position 258, T replaced by C.
Protein change: p.Tyr86=; no amino-acid change (tyrosine 86 retained).
Molecular consequence: synonymous variant.
Genome position (GRCh38, 1-based): chr16:69,136,794, T>C. VCF-style: chr16-69136794-T-C. GRCh37 (hg19) VCF-style: chr16-69170697-T-C.
Other names: c.9T>C, p.Tyr3= (NM_001318391.2).
Identifiers: ClinVar variation 4999148 (VCV004999148.1).